The following is an entry in ClinVar:

NM_198407.2(GHSR):c.959C>A (p.Pro320His)

Gene: GHSR (growth hormone secretagogue receptor; minus strand). Cytogenetic location: 3q26.31.
Variant type: single nucleotide variant.
Coding change: c.959C>A on transcript NM_198407.2 (MANE Select); coding-DNA position 959, C replaced by A.
Protein change: p.Pro320His; replaces proline 320 with histidine.
Molecular consequence: missense variant.
Genome position (GRCh38, 1-based): chr3:172,445,303, G>T on the plus strand (C>A on the coding strand, the complement: GHSR is on the minus strand). VCF-style: chr3-172445303-G-T. GRCh37 (hg19) VCF-style: chr3-172163093-G-T.
Other names: short protein forms P320H.
Identifiers: ClinVar variation 1934677 (VCV001934677.6), dbSNP rs868728152, ClinGen allele CA355512022.

ClinVar aggregate classification (germline): Uncertain significance. Review status: criteria provided, multiple submitters, no conflicts (2 of 4 stars). 2 submissions from 2 submitters: Uncertain significance (2). Last evaluated 2025-04-03.

gnomAD v4.1: 12 of 1,614,160 alleles (0.00074%); highest among the groups gnomAD compares: Non-Finnish European, 0.001%; no homozygotes.

Submissions (2):

Labcorp Genetics (formerly Invitae), Labcorp
Classification: Uncertain significance. Last evaluated: 2025-04-03. Review status: criteria provided, single submitter. Criteria: Invitae Variant Classification Sherloc (09022015). Collection method: clinical testing. Allele origin: germline.
Comment: This sequence change replaces proline, which is neutral and non-polar, with histidine, which is basic and polar, at codon 320 of the GHSR protein (p.Pro320His). This variant is not present in population databases (gnomAD no frequency). This variant has not been reported in the literature in individuals affected with GHSR-related conditions. ClinVar contains an entry for this variant (Variation ID: 1934677). Invitae Evidence Modeling of protein sequence and biophysical properties (such as structural, functional, and spatial information, amino acid conservation, physicochemical variation, residue mobility, and thermodynamic stability) indicates that this missense variant is expected to disrupt GHSR protein function with a positive predictive value of 80%. In summary, the available evidence is currently insufficient to determine the role of this variant in disease. Therefore, it has been classified as a Variant of Uncertain Significance.

GeneDx
Classification: Uncertain significance. Last evaluated: 2024-11-11. Review status: criteria provided, single submitter. Criteria: GeneDx Variant Classification Process June 2021. Collection method: clinical testing. Allele origin: germline. Affected: yes.
Comment: Not observed at significant frequency in large population cohorts (gnomAD); In silico analysis supports that this missense variant has a deleterious effect on protein structure/function; Has not been previously published as pathogenic or benign to our knowledge